The following is an entry in ClinVar:

NM_020297.4(ABCC9):c.3464T>G (p.Val1155Gly)

Gene: ABCC9 (ATP binding cassette subfamily C member 9; minus strand). Cytogenetic location: 12p12.1.
Variant type: single nucleotide variant.
Coding change: c.3464T>G on transcript NM_020297.4 (MANE Select); coding-DNA position 3464, T replaced by G.
Protein change: p.Val1155Gly; replaces valine 1155 with glycine.
Molecular consequence: missense variant.
Genome position (GRCh38, 1-based): chr12:21,842,323, A>C on the plus strand (T>G on the coding strand, the complement: ABCC9 is on the minus strand). VCF-style: chr12-21842323-A-C. GRCh37 (hg19) VCF-style: chr12-21995257-A-C.
Other names: c.3464T>G, p.Val1155Gly (NM_001377273.1, NM_005691.4); c.2597T>G, p.Val866Gly (NM_001377274.1); short protein forms V1155G, V866G.
Identifiers: ClinVar variation 1488223 (VCV001488223.8), dbSNP rs1308858284, ClinGen allele CA384140751.

ClinVar aggregate classification (germline): Uncertain significance (1 of 4 stars; one submission).

Conditions:
Dilated cardiomyopathy 1O (CMD1O). Also called: CARDIOMYOPATHY, DILATED, WITH VENTRICULAR TACHYCARDIA. Identifiers: Orphanet 154, MedGen C1837839, MONDO:0012062, OMIM 608569.

Submission:

Labcorp Genetics (formerly Invitae), Labcorp
Classification: Uncertain significance for Dilated cardiomyopathy 1O. Last evaluated: 2021-05-03. Review status: criteria provided, single submitter. Criteria: Invitae Variant Classification Sherloc (09022015). Collection method: clinical testing. Allele origin: germline.
Comment: This sequence change replaces valine with glycine at codon 1155 of the ABCC9 protein (p.Val1155Gly). The valine residue is moderately conserved and there is a moderate physicochemical difference between valine and glycine. This variant is not present in population databases (ExAC no frequency). This variant has not been reported in the literature in individuals with ABCC9-related conditions. Algorithms developed to predict the effect of missense changes on protein structure and function are either unavailable or do not agree on the potential impact of this missense change (SIFT: "Deleterious"; PolyPhen-2: "Benign"; Align-GVGD: "Class C0"). In summary, the available evidence is currently insufficient to determine the role of this variant in disease. Therefore, it has been classified as a Variant of Uncertain Significance.